The following is an entry in ClinVar:

NM_024529.5(CDC73):c.1065A>C (p.Lys355Asn)

Gene: CDC73 (cell division cycle 73; plus strand). Cytogenetic location: 1q31.2.
Variant type: single nucleotide variant.
Coding change: c.1065A>C on transcript NM_024529.5 (MANE Select); coding-DNA position 1065, A replaced by C.
Protein change: p.Lys355Asn; replaces lysine 355 with asparagine.
Molecular consequence: missense variant.
Genome position (GRCh38, 1-based): chr1:193,212,099, A>C. VCF-style: chr1-193212099-A-C. GRCh37 (hg19) VCF-style: chr1-193181229-A-C.
Other names: short protein forms K355N.
Identifiers: ClinVar variation 1020243 (VCV001020243.9), dbSNP rs1677289784, ClinGen allele CA344077491.

ClinVar aggregate classification (germline): Uncertain significance (1 of 4 stars; one submission).

Conditions:
Parathyroid carcinoma (PRTC). Also called: CDC73-Related Parathyroid Carcinoma; Parathyroid gland carcinoma. Identifiers: Orphanet 143, MedGen C0687150, MONDO:0012004, OMIM 608266, HP:0006780.

Submission:

Labcorp Genetics (formerly Invitae), Labcorp
Classification: Uncertain significance for Parathyroid carcinoma. Last evaluated: 2024-04-23. Review status: criteria provided, single submitter. Criteria: Invitae Variant Classification Sherloc (09022015). Collection method: clinical testing. Allele origin: germline.
Comment: This sequence change replaces lysine, which is basic and polar, with asparagine, which is neutral and polar, at codon 355 of the CDC73 protein (p.Lys355Asn). This variant is not present in population databases (gnomAD no frequency). This variant has not been reported in the literature in individuals affected with CDC73-related conditions. ClinVar contains an entry for this variant (Variation ID: 1020243). An algorithm developed to predict the effect of missense changes on protein structure and function (PolyPhen-2) suggests that this variant is likely to be tolerated. In summary, the available evidence is currently insufficient to determine the role of this variant in disease. Therefore, it has been classified as a Variant of Uncertain Significance.